The following is an entry in ClinVar:

ClinVar aggregate classification (germline): Benign (1 of 4 stars; one submission).

Allele frequency attached by ClinVar (database versions not stated): 1000 Genomes Project 30x 0.67052; 1000 Genomes Project 0.67232; TOPMed 0.70628; gnomAD 0.73244; gnomAD exomes 0.80813.

Submission:

Unidad de Genómica Garrahan, Hospital de Pediatría Garrahan
Classification: Benign. Last evaluated: 2024-01-24. Review status: criteria provided, single submitter. Criteria: ACMG Guidelines, 2015. Collection method: clinical testing. Allele origin: germline. Affected: no. Observed: 22 variant alleles.
Comment: This variant is classified as Benign based on local population frequency. This variant was detected in 23% of patients studied by a panel of primary immunodeficiencies. Number of patients: 22. Only high quality variants are reported.

NM_001253697.2(ERBIN):c.597+125T>C

Gene: ERBIN (erbb2 interacting protein; plus strand). Cytogenetic location: 5q12.3.
Variant type: single nucleotide variant.
Coding change: c.597+125T>C on transcript NM_001253697.2 (MANE Select); 125 bases into the intron after coding-DNA position 597, T replaced by C.
Molecular consequence: intron variant.
Genome position (GRCh38, 1-based): chr5:66,021,510, T>C. VCF-style: chr5-66021510-T-C. GRCh37 (hg19) VCF-style: chr5-65317338-T-C.
Other names: c.597+125T>C (NM_001253699.2, NM_018695.4, NM_001253698.2 and 2 more transcripts).
Identifiers: ClinVar variation 2688313 (VCV002688313.2), dbSNP rs706680, ClinGen allele CA15367456.